The following is an entry in ClinVar:

NM_152564.5(VPS13B):c.7291G>A (p.Val2431Met)

Gene: VPS13B (vacuolar protein sorting 13 homolog B; plus strand). Cytogenetic location: 8q22.2.
Variant type: single nucleotide variant.
Coding change: c.7291G>A on transcript NM_152564.5 (MANE Select); coding-DNA position 7291, G replaced by A.
Protein change: p.Val2431Met; replaces valine 2431 with methionine.
Molecular consequence: missense variant.
Genome position (GRCh38, 1-based): chr8:99,776,818, G>A. VCF-style: chr8-99776818-G-A. GRCh37 (hg19) VCF-style: chr8-100789046-G-A.
Other names: c.7291G>A (NM_152564.4); c.7366G>A, p.Val2456Met (NM_017890.5); short protein forms V2431M, V2456M.
Identifiers: ClinVar variation 968452 (VCV000968452.10), dbSNP rs138405323, ClinGen allele CA4824188.
Genomic context (GRCh38, chr8:99,776,818, plus strand): 5'-TCACTTCTTTCCCATAGCTCTGCAAGTGAGTCTGGTTCTCAAAGCACTTGTGATCCACTT[G>A]TGACTCCAACAGCCCTGGCTGCCTGTACCAGAGTTGACTCCTGCTTTACCCCATGGTTTG-3'
Protein context (NP_689777.3, residues 2421-2441): SGSQSTCDPL[Val2431Met]TPTALAACTR

ClinVar aggregate classification (germline): Uncertain significance. Review status: criteria provided, multiple submitters, no conflicts (2 of 4 stars). 4 submissions from 4 submitters: Uncertain significance (3). 1 of the submissions does not count toward it. Last evaluated 2025-07-25.

Conditions:
VPS13B-related disorder. Also called: VPS13B-related condition.
Cohen syndrome (COH1). Also called: PEPPER SYNDROME; Cutis verticis gyrata, retinitis pigmentosa, and sensorineural deafness. Identifiers: Orphanet 193, MedGen C0265223, MONDO:0008999, OMIM 216550.

Allele frequency attached by ClinVar (database versions not stated): ExAC 0.00004; gnomAD 0.00004 and 0.00007; gnomAD exomes 0.00004 and 0.00012; TOPMed 0.00006; ESP Exome Variant Server 0.00038.
gnomAD v4.1: 188 of 1,613,958 alleles (0.012%); highest among the groups gnomAD compares: Non-Finnish European, 0.015%; 1 homozygote.

Submissions (4):

PreventionGenetics, part of Exact Sciences
Classification: Uncertain significance for VPS13B-related condition. Last evaluated: 2025-07-25. Review status: criteria provided, single submitter. Criteria: ACMG Guidelines, 2015. Collection method: clinical testing. Allele origin: germline.
Comment: The VPS13B c.7291G>A variant is predicted to result in the amino acid substitution p.Val2431Met. To our knowledge, this variant has not been reported in the literature. This variant is reported in 0.0078% of alleles in individuals of European (Non-Finnish) descent in gnomAD. At this time, the clinical significance of this variant is uncertain due to the absence of conclusive functional and genetic evidence.

Blueprint Genetics
Classification: Uncertain significance. Last evaluated: 2023-07-13. Review status: criteria provided, single submitter. Criteria: ACMG Guidelines, 2015. Collection method: clinical testing. Allele origin: germline.

Labcorp Genetics (formerly Invitae), Labcorp
Classification: Uncertain significance for Cohen syndrome. Last evaluated: 2022-05-30. Review status: criteria provided, single submitter. Criteria: Invitae Variant Classification Sherloc (09022015). Collection method: clinical testing. Allele origin: germline.
Comment: This sequence change replaces valine, which is neutral and non-polar, with methionine, which is neutral and non-polar, at codon 2456 of the VPS13B protein (p.Val2456Met). This variant is present in population databases (rs138405323, gnomAD 0.007%). This variant has not been reported in the literature in individuals affected with VPS13B-related conditions. ClinVar contains an entry for this variant (Variation ID: 968452). Algorithms developed to predict the effect of missense changes on protein structure and function are either unavailable or do not agree on the potential impact of this missense change (SIFT: "Not Available"; PolyPhen-2: "Possibly Damaging"; Align-GVGD: "Not Available"). In summary, the available evidence is currently insufficient to determine the role of this variant in disease. Therefore, it has been classified as a Variant of Uncertain Significance.

Natera, Inc.
Classification: Uncertain significance for Cohen syndrome. Last evaluated: 2020-01-24. Review status: no assertion criteria provided. Collection method: clinical testing. Allele origin: germline. Not counted in ClinVar's aggregate classification.